The following is an entry in ClinVar:

NM_019594.4(LRRC8A):c.515C>T (p.Ala172Val)

Gene: LRRC8A (leucine rich repeat containing 8 VRAC subunit A; plus strand). Cytogenetic location: 9q34.11.
Variant type: single nucleotide variant.
Coding change: c.515C>T on transcript NM_019594.4 (MANE Select); coding-DNA position 515, C replaced by T.
Protein change: p.Ala172Val; replaces alanine 172 with valine.
Molecular consequence: missense variant.
Genome position (GRCh38, 1-based): chr9:128,907,679, C>T. VCF-style: chr9-128907679-C-T. GRCh37 (hg19) VCF-style: chr9-131669958-C-T.
Other names: c.515C>T, p.Ala172Val (NM_001127245.2, NM_001127244.2); short protein forms A172V.
Identifiers: ClinVar variation 2720133 (VCV002720133.3), dbSNP rs1840308634, ClinGen allele CA375074820.

ClinVar aggregate classification (germline): Uncertain significance (1 of 4 stars; one submission).

Submission:

Labcorp Genetics (formerly Invitae), Labcorp
Classification: Uncertain significance. Last evaluated: 2023-06-20. Review status: criteria provided, single submitter. Criteria: Invitae Variant Classification Sherloc (09022015). Collection method: clinical testing. Allele origin: germline.
Comment: An algorithm developed to predict the effect of missense changes on protein structure and function (PolyPhen-2) suggests that this variant is likely to be disruptive. In summary, the available evidence is currently insufficient to determine the role of this variant in disease. Therefore, it has been classified as a Variant of Uncertain Significance. This variant has not been reported in the literature in individuals affected with LRRC8A-related conditions. This variant is not present in population databases (gnomAD no frequency). This sequence change replaces alanine, which is neutral and non-polar, with valine, which is neutral and non-polar, at codon 172 of the LRRC8A protein (p.Ala172Val).